The following is an entry in ClinVar:

ClinVar aggregate classification (germline): Uncertain significance (1 of 4 stars; one submission).

Conditions:
Epidermolysis bullosa simplex 3, localized or generalized intermediate, with BP230 deficiency (EBS3). Also called: Epidermolysis bullosa simplex, autosomal recessive 2; Epidermolysis bullosa simplex due to BP230 deficiency. Identifiers: Orphanet 412181, MedGen C3809470, MONDO:0014180, OMIM 615425.
Hereditary sensory and autonomic neuropathy type 6. Also called: HSAN VI; Neuropathy, hereditary sensory and autonomic, type VI. Identifiers: Orphanet 314381, MedGen C3539003, MONDO:0013839, OMIM 614653.

gnomAD v4.1: 8 of 1,613,824 alleles (0.0005%); highest among the groups gnomAD compares: Non-Finnish European, 0.00068%; no homozygotes.

Submission:

Labcorp Genetics (formerly Invitae), Labcorp
Classification: Uncertain significance for Epidermolysis bullosa simplex 3, localized or generalized intermediate, with BP230 deficiency; Hereditary sensory and autonomic neuropathy type 6. Last evaluated: 2025-07-21. Review status: criteria provided, single submitter. Criteria: Invitae Variant Classification Sherloc (09022015). Collection method: clinical testing. Allele origin: germline.
Comment: The DST gene has multiple clinically relevant transcripts. This variant occurs in alternate transcript NM_015548.4, and corresponds to NM_001723.5:c.*89081G>A in the primary transcript. This sequence change affects codon 3395 of the DST mRNA. It is a 'silent' change, meaning that it does not change the encoded amino acid sequence of the DST protein. This variant is present in population databases (no rsID available, gnomAD 0.0009%). This variant has not been reported in the literature in individuals affected with DST-related conditions. Experimental studies and prediction algorithms are not available or were not evaluated, and the effect of this variant on mRNA splicing is currently unknown. In summary, the available evidence is currently insufficient to determine the role of this variant in disease. Therefore, it has been classified as a Variant of Uncertain Significance.

NM_001374736.1(DST):c.18054G>A (p.Glu6018=)

Gene: DST (dystonin; minus strand). Cytogenetic location: 6p12.1.
Variant type: single nucleotide variant.
Coding change: c.18054G>A on transcript NM_001374736.1 (MANE Select); coding-DNA position 18054, G replaced by A.
Protein change: p.Glu6018=; no amino-acid change (glutamic acid 6018 retained).
Molecular consequence: synonymous variant.
Genome position (GRCh38, 1-based): chr6:56,526,436, C>T on the plus strand (G>A on the coding strand, the complement: DST is on the minus strand). VCF-style: chr6-56526436-C-T. GRCh37 (hg19) VCF-style: chr6-56391234-C-T.
Other names: c.11697G>A, p.Glu3899= (NM_001144769.5); c.11283G>A, p.Glu3761= (NM_001144770.2); c.18054G>A, p.Glu6018= (NM_001374722.1); c.17094G>A, p.Glu5698= (NM_001374729.1); c.10836G>A, p.Glu3612= (NM_001374730.1); c.18081G>A, p.Glu6027= (NM_001374734.1); c.11163G>A, p.Glu3721= (NM_001386100.1, NM_183380.4); c.10185G>A, p.Glu3395= (NM_015548.5).
Identifiers: ClinVar variation 4787605 (VCV004787605.1).